The following is an entry in ClinVar:

ClinVar aggregate classification (germline): Benign (1 of 4 stars; one submission).

Conditions:
Neurofibromatosis, type 1 (NF1). Also called: VON RECKLINGHAUSEN DISEASE; NEUROFIBROMATOSIS, TYPE I, SOMATIC; Peripheral type neurofibromatosis; Neurofibromatosis, type I. Identifiers: Orphanet 636, MedGen C0027831, MONDO:0018975, OMIM 162200. Disease mechanism: loss of function.

Submission:

Myriad Genetics, Inc.
Classification: Benign for Neurofibromatosis, type 1. Last evaluated: 2026-05-14. Review status: criteria provided, single submitter. Criteria: Myriad Autosomal Dominant, Autosomal Recessive and X-Linked Classification Criteria (2023). Collection method: clinical testing. Allele origin: unknown.
Comment: This variant is considered benign. This variant is intronic and is not expected to impact mRNA splicing.

NM_001042492.3(NF1):c.205-25A>T

Gene: NF1 (neurofibromin 1; plus strand). Cytogenetic location: 17q11.2.
Variant type: single nucleotide variant.
Coding change: c.205-25A>T on transcript NM_001042492.3 (MANE Select); 25 bases into the intron before coding-DNA position 205, A replaced by T.
Molecular consequence: intron variant.
Genome position (GRCh38, 1-based): chr17:31,158,985, A>T. VCF-style: chr17-31158985-A-T. GRCh37 (hg19) VCF-style: chr17-29486003-A-T.
Other names: c.205-25A>T (NM_000267.4, NM_001128147.3).
Identifiers: ClinVar variation 4876155 (VCV004876155.1).
Genomic context (GRCh38, chr17:31,158,985, plus strand): 5'-TTTTAGTCTTTCACTTTTCAGATGTGTGTTGATTGGTAGCAGAAAGTGAAACTAACTTTT[A>T]TGTTCTGAATATCTTTTCTGTTAGAGAATATTTGGAGAAGCTGCTGAAAAAAATTTATAT-3'